The following is an entry in ClinVar:

ClinVar aggregate classification (germline): Benign. Review status: criteria provided, multiple submitters, no conflicts (2 of 4 stars). 3 submissions from 3 submitters: Benign (3). Last evaluated 2021-08-23.

Conditions:
Hyperphosphatasia with impaired intellectual development syndrome 1. Also called: MABRY SYNDROME; GLYCOSYLPHOSPHATIDYLINOSITOL BIOSYNTHESIS DEFECT 2; Hyperphosphatasia with intellectual disability syndrome 1. Identifiers: Orphanet 247262, MedGen C4551502, MONDO:0009398, OMIM 239300.

Allele frequency attached by ClinVar (database versions not stated): gnomAD 0.00131 and 0.00091; 1000 Genomes Project 0.00559; 1000 Genomes Project 30x 0.00578; gnomAD exomes 0.00165; TOPMed 0.00265.

Submissions (3):

Fulgent Genetics
Classification: Benign for Hyperphosphatasia with impaired intellectual development syndrome 1. Last evaluated: 2021-08-23. Review status: criteria provided, single submitter. Criteria: ACMG Guidelines, 2015. Collection method: clinical testing. Allele origin: unknown.

Illumina Laboratory Services, Illumina
Classification: Benign for Hyperphosphatasia with impaired intellectual development syndrome 1. Last evaluated: 2018-01-13. Review status: criteria provided, single submitter. Criteria: ICSL Variant Classification Criteria 13 December 2019. Collection method: clinical testing. Allele origin: germline.
Comment: This variant was observed in the ICSL laboratory as part of a predisposition screen in an ostensibly healthy population. It had not been previously curated by ICSL or reported in the Human Gene Mutation Database (HGMD: prior to June 1st, 2018), and was therefore a candidate for classification through an automated scoring system. Utilizing variant allele frequency, disease prevalence and penetrance estimates, and inheritance mode, an automated score was calculated to assess if this variant is too frequent to cause the disease. Based on the score and internal cut-off values, a variant classified as benign is not then subjected to further curation. The score for this variant resulted in a classification of benign for this disease.

Breakthrough Genomics
Classification: Benign. Review status: criteria provided, single submitter. Criteria: ACMG Guidelines, 2015. Collection method: not provided. Allele origin: germline. Inheritance: Autosomal recessive inheritance. Affected: yes.

NM_017837.4(PIGV):c.*149G>A

Gene: PIGV (phosphatidylinositol glycan anchor biosynthesis class V; plus strand). Cytogenetic location: 1p36.11.
Variant type: single nucleotide variant.
Coding change: c.*149G>A on transcript NM_017837.4 (MANE Select); 149 bases downstream of the stop codon, G replaced by A.
Molecular consequence: 3 prime UTR variant. On other transcripts: non-coding transcript variant (2).
Genome position (GRCh38, 1-based): chr1:26,797,993, G>A. VCF-style: chr1-26797993-G-A. GRCh37 (hg19) VCF-style: chr1-27124484-G-A.
Other names: c.*149G>A (NM_001202554.2, NM_001374478.1, NM_001374480.1 and 6 more transcripts).
Identifiers: ClinVar variation 297125 (VCV000297125.7), dbSNP rs3754360, ClinGen allele CA10610898.
Genomic context (GRCh38, chr1:26,797,993, plus strand): 5'-GGATCATTACTGTGTCCATTATAATCTTTCTCTTTCTCTTTGAAAGCTGGTCAGGAATGG[G>A]AGAAGTGTCAGACACTAGAGAGCCCCTTCTGGTCCTGGCTAGGGCAAATTTTAGACAACT-3'